The following is an entry in ClinVar:

ClinVar aggregate classification (germline): Likely benign (1 of 4 stars; one submission).

Conditions:
Malignant hyperthermia, susceptibility to, 5 (MHS5). Also called: CACNA1S-Related Malignant Hyperthermia Susceptibility. Identifiers: Orphanet 423, MedGen C1866077, MONDO:0011163, OMIM 601887.

Submission:

All of Us Research Program, National Institutes of Health
Classification: Likely benign for Malignant hyperthermia, susceptibility to, 5. Last evaluated: 2023-12-13. Review status: criteria provided, single submitter. Criteria: ACMG Guidelines, 2015. Collection method: clinical testing. Allele origin: germline. Inheritance: Autosomal dominant inheritance. Observed: 1 variant allele, 1 heterozygote.
Comment: This study involves interpretation of variants in research participants for the purpose of population health screening. Participant phenotype was not available at the time of variant classification. Additional details can be found in publication PMID: 35346344, PMCID: PMC8962531

NM_000069.3(CACNA1S):c.1659C>A (p.Leu553=)

Gene: CACNA1S (calcium voltage-gated channel subunit alpha1 S; minus strand). Cytogenetic location: 1q32.1.
Variant type: single nucleotide variant.
Coding change: c.1659C>A on transcript NM_000069.3 (MANE Select); coding-DNA position 1659, C replaced by A.
Protein change: p.Leu553=; no amino-acid change (leucine 553 retained).
Molecular consequence: synonymous variant.
Genome position (GRCh38, 1-based): chr1:201,077,088, G>T on the plus strand (C>A on the coding strand, the complement: CACNA1S is on the minus strand). VCF-style: chr1-201077088-G-T. GRCh37 (hg19) VCF-style: chr1-201046216-G-T.
Identifiers: ClinVar variation 3074791 (VCV003074791.1), dbSNP rs572571549, ClinGen allele CA422689523.
Genomic context (GRCh38, chr1:201,077,088, plus strand): 5'-GAAGATGACGATGAAGAGGAAGAGCAGCAGCAGCAGGGAGGCGATGGAGCGGATGGAGTT[G>T]AGCAGGGATGCCACCAGGTTGCTCAGCGACGTCCAATATCTGAAGGAAGAGGAGGCACAA-3'
Protein context (NP_000060.2, residues 543-563): TSLSNLVASL[Leu553=]NSIRSIASLL